The following is an entry in ClinVar:

ClinVar aggregate classification (germline): Uncertain significance (1 of 4 stars; one submission).

Submission:

Ambry Genetics
Classification: Uncertain significance. Last evaluated: 2025-06-10. Review status: criteria provided, single submitter. Criteria: Ambry Variant Classification Scheme 2023. Collection method: clinical testing. Allele origin: germline.
Comment: The p.D439G variant (also known as c.1316A>G), located in coding exon 2 of the CDK12 gene, results from an A to G substitution at nucleotide position 1316. The aspartic acid at codon 439 is replaced by glycine, an amino acid with similar properties. This amino acid position is conserved. In addition, this alteration is predicted to be tolerated by in silico analysis. Based on the available evidence, the clinical significance of this variant remains unclear.

NM_016507.4(CDK12):c.1316A>G (p.Asp439Gly)

Gene: CDK12 (cyclin dependent kinase 12; plus strand). Cytogenetic location: 17q12.
Variant type: single nucleotide variant.
Coding change: c.1316A>G on transcript NM_016507.4 (MANE Select); coding-DNA position 1316, A replaced by G.
Protein change: p.Asp439Gly; replaces aspartic acid 439 with glycine.
Molecular consequence: missense variant.
Genome position (GRCh38, 1-based): chr17:39,471,148, A>G. VCF-style: chr17-39471148-A-G. GRCh37 (hg19) VCF-style: chr17-37627401-A-G.
Other names: c.1316A>G, p.Asp439Gly (NM_015083.4); short protein forms D439G.
Identifiers: ClinVar variation 3999547 (VCV003999547.1).
Genomic context (GRCh38, chr17:39,471,148, plus strand): 5'-AGTCCAAGGGTTCACCTGTATTTTTGCCTAGAAAAGAGAACAGTTCAGTAGAGGCTAAGG[A>G]TTCAGGTTTGGAGTCTAAAAAGTTACCCAGAAGTGTAAAATTGGAAAAATCTGCCCCAGA-3'
Protein context (NP_057591.2, residues 429-449): RKENSSVEAK[Asp439Gly]SGLESKKLPR